The following is an entry in ClinVar:

NM_003079.5(SMARCE1):c.942T>C (p.Ser314=)

Gene: SMARCE1 (SWI/SNF related BAF chromatin remodeling complex subunit E1; minus strand). Cytogenetic location: 17q21.2.
Variant type: single nucleotide variant.
Coding change: c.942T>C on transcript NM_003079.5 (MANE Select); coding-DNA position 942, T replaced by C.
Protein change: p.Ser314=; no amino-acid change (serine 314 retained).
Molecular consequence: synonymous variant.
Genome position (GRCh38, 1-based): chr17:40,630,799, A>G on the plus strand (T>C on the coding strand, the complement: SMARCE1 is on the minus strand). VCF-style: chr17-40630799-A-G. GRCh37 (hg19) VCF-style: chr17-38787051-A-G.
Identifiers: ClinVar variation 702211 (VCV000702211.22), dbSNP rs1317450309, ClinGen allele CA500184354.
Genomic context (GRCh38, chr17:40,630,799, plus strand): 5'-GTCTTTCTTCTCCTCGCCTTTGTTAGCTGCTTGTTCTTCCTCAGGAACGATGCTGCTCTG[A>G]CTGCGCTCAGCTTGCTCTGCGGCCTCCTTCTCCCTTTCCTCCTGCCTTTTGCGGGCCTGT-3'
Protein context (NP_003070.3, residues 304-324): EKEAAEQAER[Ser314=]QSSIVPEEEQ

ClinVar aggregate classification (germline): Likely benign. Review status: criteria provided, multiple submitters, no conflicts (2 of 4 stars). 3 submissions from 3 submitters: Likely benign (3). Last evaluated 2025-11-15.

Conditions:
Hereditary cancer-predisposing syndrome. Also called: Neoplastic Syndromes, Hereditary; Tumor predisposition; Hereditary neoplastic syndrome; Hereditary Cancer Syndrome. Identifiers: Orphanet 140162, MedGen C0027672, MeSH D009386, MONDO:0015356.
Familial meningioma. Also called: Meningioma, familial, susceptibility to. Identifiers: Orphanet 263662, MedGen C3551915, MONDO:0011789, OMIM 607174.

Allele frequency attached by ClinVar (database versions not stated): gnomAD exomes below 0.00001 and 0.00002; gnomAD 0.00001; TOPMed 0.00001.
gnomAD v4.1: 24 of 1,613,876 alleles (0.0015%); highest among the groups gnomAD compares: Non-Finnish European, 0.002%; no homozygotes.

Submissions (3):

Labcorp Genetics (formerly Invitae), Labcorp
Classification: Likely benign for Familial meningioma. Last evaluated: 2025-11-15. Review status: criteria provided, single submitter. Criteria: Invitae Variant Classification Sherloc (09022015). Collection method: clinical testing. Allele origin: germline.

CeGaT Center for Human Genetics Tuebingen
Classification: Likely benign. Last evaluated: 2025-03-01. Review status: criteria provided, single submitter. Criteria: CeGaT Center For Human Genetics Tuebingen Variant Classification Criteria Version 2. Collection method: clinical testing. Allele origin: germline. Affected: yes. Observed: 1 variant allele.
Comment: SMARCE1: BP4, BP7

Ambry Genetics
Classification: Likely benign for Hereditary cancer-predisposing syndrome. Last evaluated: 2019-06-03. Review status: criteria provided, single submitter. Criteria: Ambry Variant Classification Scheme 2023. Collection method: clinical testing. Allele origin: germline.